The following is an entry in ClinVar:

NM_153240.5(NPHP3):c.912C>T (p.Leu304=)

Genes: NPHP3 (nephrocystin 3; minus strand), NPHP3-ACAD11 (NPHP3-ACAD11 readthrough (NMD candidate); minus strand). Cytogenetic location: 3q22.1.
Variant type: single nucleotide variant.
Coding change: c.912C>T on transcript NM_153240.5 (MANE Select); coding-DNA position 912, C replaced by T.
Protein change: p.Leu304=; no amino-acid change (leucine 304 retained).
Molecular consequence: synonymous variant. On other transcripts: non-coding transcript variant (1).
Genome position (GRCh38, 1-based): chr3:132,715,130, G>A on the plus strand (C>T on the coding strand, the complement: NPHP3 is on the minus strand). VCF-style: chr3-132715130-G-A. GRCh37 (hg19) VCF-style: chr3-132433974-G-A.
Identifiers: ClinVar variation 3030745 (VCV003030745.2), dbSNP rs1940015287, ClinGen allele CA435800954.

ClinVar aggregate classification (germline): Likely benign (0 of 4 stars; one submission).

Conditions:
NPHP3-related disorder. Also called: NPHP3-related disorders; NPHP3-related condition. Identifiers: MedGen CN379163.

Allele frequency attached by ClinVar (database versions not stated): TOPMed below 0.00001; gnomAD 0.00001.
gnomAD v4.1: 1 of 1,612,242 alleles (0.000062%); highest among the groups gnomAD compares: African/African-American, 0.0013%; no homozygotes.

Submission:

PreventionGenetics, part of Exact Sciences
Classification: Likely benign for NPHP3-related condition. Last evaluated: 2021-03-10. Review status: no assertion criteria provided. Collection method: clinical testing. Allele origin: germline.
Comment: This variant is classified as likely benign based on ACMG/AMP sequence variant interpretation guidelines (Richards et al. 2015 PMID: 25741868, with internal and published modifications).